The following is an entry in ClinVar:

NM_003072.5(SMARCA4):c.1762-12C>T

Gene: SMARCA4 (SWI/SNF related BAF chromatin remodeling complex subunit ATPase 4; plus strand). Cytogenetic location: 19p13.2.
Variant type: single nucleotide variant.
Coding change: c.1762-12C>T on transcript NM_003072.5 (MANE Select); 12 bases into the intron before coding-DNA position 1762, C replaced by T.
Molecular consequence: intron variant.
Genome position (GRCh38, 1-based): chr19:10,996,482, C>T. VCF-style: chr19-10996482-C-T. GRCh37 (hg19) VCF-style: chr19-11107158-C-T.
Other names: c.1762-12C>T (NM_001128844.3, NM_001128849.3, NM_001128847.4 and 5 more transcripts).
Identifiers: ClinVar variation 512858 (VCV000512858.11), dbSNP rs759160355, ClinGen allele CA9203887.

ClinVar aggregate classification (germline): Benign/Likely benign. Review status: criteria provided, multiple submitters, no conflicts (2 of 4 stars). 4 submissions from 4 submitters: Benign (1); Likely benign (3). Last evaluated 2026-07-10.

Conditions:
Rhabdoid tumor predisposition syndrome 2 (RTPS2). Identifiers: Orphanet 231108, Orphanet 69077, MedGen C2750074, MONDO:0013224, OMIM 613325.
Hereditary cancer-predisposing syndrome. Also called: Tumor predisposition; Neoplastic Syndromes, Hereditary; Hereditary Cancer Syndrome; Hereditary neoplastic syndrome. Identifiers: Orphanet 140162, MedGen C0027672, MeSH D009386, MONDO:0015356.

Allele frequency attached by ClinVar (database versions not stated): TOPMed 0.00002; gnomAD 0.00001.
gnomAD v4.1: 51 of 1,614,080 alleles (0.0032%); highest among the groups gnomAD compares: Non-Finnish European, 0.004%; no homozygotes.

Submissions (4):

Myriad Genetics, Inc.
Classification: Benign for Rhabdoid tumor predisposition syndrome 2. Last evaluated: 2026-07-10. Review status: criteria provided, single submitter. Criteria: Myriad Autosomal Dominant, Autosomal Recessive and X-Linked Classification Criteria (2023). Collection method: clinical testing. Allele origin: unknown.
Comment: This variant is considered benign. This variant is intronic and is not expected to impact mRNA splicing. This variant has been observed at a population frequency that is significantly greater than expected given the associated disease prevalence and penetrance.

Labcorp Genetics (formerly Invitae), Labcorp
Classification: Likely benign for Rhabdoid tumor predisposition syndrome 2. Last evaluated: 2026-01-27. Review status: criteria provided, single submitter. Criteria: Invitae Variant Classification Sherloc (09022015). Collection method: clinical testing. Allele origin: germline.

Sema4
Classification: Likely benign for Hereditary cancer-predisposing syndrome. Last evaluated: 2021-06-08. Review status: criteria provided, single submitter. Criteria: Sema4 Curation Guidelines. Collection method: curation. Allele origin: germline.

GeneDx
Classification: Likely benign. Last evaluated: 2017-10-20. Review status: criteria provided, single submitter. Criteria: GeneDx Variant Classification (06012015). Collection method: clinical testing. Allele origin: germline. Affected: yes.
Comment: This variant is considered likely benign or benign based on one or more of the following criteria: it is a conservative change, it occurs at a poorly conserved position in the protein, it is predicted to be benign by multiple in silico algorithms, and/or has population frequency not consistent with disease.